The following is an entry in ClinVar:

NM_000218.3(KCNQ1):c.1618G>A (p.Asp540Asn)

Gene: KCNQ1 (potassium voltage-gated channel subfamily Q member 1; plus strand). Cytogenetic location: 11p15.5.
Variant type: single nucleotide variant.
Coding change: c.1618G>A on transcript NM_000218.3 (MANE Select); coding-DNA position 1618, G replaced by A.
Protein change: p.Asp540Asn; replaces aspartic acid 540 with asparagine.
Molecular consequence: missense variant.
Genome position (GRCh38, 1-based): chr11:2,775,987, G>A. VCF-style: chr11-2775987-G-A. GRCh37 (hg19) VCF-style: chr11-2797217-G-A.
Other names: c.1522G>A, p.Asp508Asn (NM_001406836.1); c.1348G>A, p.Asp450Asn (NM_001406837.1); c.1078G>A, p.Asp360Asn (NM_001406838.1); c.1237G>A, p.Asp413Asn (NM_181798.2); short protein forms D413N, D360N, D508N, D540N, D450N.
Identifiers: ClinVar variation 5023022 (VCV005023022.1).

ClinVar aggregate classification (germline): Uncertain significance (1 of 4 stars; one submission).

Conditions:
Cardiovascular phenotype. Identifiers: MedGen CN230736.

Submission:

Ambry Genetics
Classification: Uncertain significance for Cardiovascular phenotype. Last evaluated: 2026-07-02. Review status: criteria provided, single submitter. Criteria: Ambry Variant Classification Scheme 2023. Collection method: clinical testing. Allele origin: germline.
Comment: The p.D540N variant (also known as c.1618G>A), located in coding exon 13 of the KCNQ1 gene, results from a G to A substitution at nucleotide position 1618. The aspartic acid at codon 540 is replaced by asparagine, an amino acid with highly similar properties. This amino acid position is conserved. In addition, the in silico prediction for this alteration is inconclusive. Based on the available evidence, the clinical significance of this variant remains unclear.